The following is an entry in ClinVar:

ClinVar aggregate classification (germline): Uncertain significance (1 of 4 stars; one submission).

Conditions:
Primary ciliary dyskinesia. Also called: Ciliary dyskinesia. Identifiers: Orphanet 244, MedGen C0008780, MONDO:0016575, HP:0012265.

Allele frequency attached by ClinVar (database versions not stated): gnomAD exomes below 0.00001.
gnomAD v4.1: 1 of 1,612,918 alleles (0.000062%); highest among the groups gnomAD compares: Non-Finnish European, 0.000085%; no homozygotes.

Submission:

Labcorp Genetics (formerly Invitae), Labcorp
Classification: Uncertain significance for Primary ciliary dyskinesia. Last evaluated: 2017-08-24. Review status: criteria provided, single submitter. Criteria: Invitae Variant Classification Sherloc (09022015). Collection method: clinical testing. Allele origin: germline.
Comment: This sequence change falls in intron 37 of the DNAH5 gene. It does not directly change the encoded amino acid sequence of the DNAH5 protein, but it affects a nucleotide within the consensus splice site of the intron. This variant is not present in population databases (ExAC no frequency). This variant has not been reported in the literature in individuals with DNAH5-related disease. Nucleotide substitutions within the consensus splice site are a relatively common cause of aberrant splicing (PMID: 17576681, 9536098). Algorithms developed to predict the effect of sequence changes on RNA splicing suggest that this variant may disrupt the consensus splice site, but this prediction has not been confirmed by published transcriptional studies. In summary, the available evidence is currently insufficient to determine the role of this variant in disease. Therefore, it has been classified as a Variant of Uncertain Significance.

NM_001369.3(DNAH5):c.6249+4A>T

Gene: DNAH5 (dynein axonemal heavy chain 5; minus strand). Cytogenetic location: 5p15.2.
Variant type: single nucleotide variant.
Coding change: c.6249+4A>T on transcript NM_001369.3 (MANE Select); 4 bases into the intron after coding-DNA position 6249, A replaced by T.
Molecular consequence: intron variant.
Genome position (GRCh38, 1-based): chr5:13,830,022, T>A on the plus strand (A>T on the coding strand, the complement: DNAH5 is on the minus strand). VCF-style: chr5-13830022-T-A. GRCh37 (hg19) VCF-style: chr5-13830131-T-A.
Identifiers: ClinVar variation 525255 (VCV000525255.1), dbSNP rs1554067648, ClinGen allele CA658796499.